The following is an entry in ClinVar:

NM_015331.3(NCSTN):c.1640-3C>A

Gene: NCSTN (nicastrin; plus strand). Cytogenetic location: 1q23.2.
Variant type: single nucleotide variant.
Coding change: c.1640-3C>A on transcript NM_015331.3 (MANE Select); 3 bases into the intron before coding-DNA position 1640, C replaced by A.
Molecular consequence: intron variant.
Genome position (GRCh38, 1-based): chr1:160,356,597, C>A. VCF-style: chr1-160356597-C-A. GRCh37 (hg19) VCF-style: chr1-160326387-C-A.
Other names: c.1580-3C>A (NM_001290184.2); c.1640-3C>A (NM_001349729.2); c.1226-3C>A (NM_001290186.2).
Identifiers: ClinVar variation 2813690 (VCV002813690.3), dbSNP rs2525550121, ClinGen allele CA2739275359.
Genomic context (GRCh38, chr1:160,356,597, plus strand): 5'-GCTTTTCCTATTTCACCCACCATCCACCCACCAAATCTTCCCTTCCCTTTGGTCTGCACT[C>A]AGGTGACGGGCCTCTTCAACATTACATCGCTGTCTCCAGCCCCACCAACACCACTTATGT-3'

ClinVar aggregate classification (germline): Uncertain significance (1 of 4 stars; one submission).

Submission:

Labcorp Genetics (formerly Invitae), Labcorp
Classification: Uncertain significance. Last evaluated: 2023-10-13. Review status: criteria provided, single submitter. Criteria: Invitae Variant Classification Sherloc (09022015). Collection method: clinical testing. Allele origin: germline.
Comment: This sequence change falls in intron 14 of the NCSTN gene. It does not directly change the encoded amino acid sequence of the NCSTN protein. It affects a nucleotide within the consensus splice site. This variant is not present in population databases (gnomAD no frequency). This variant has not been reported in the literature in individuals affected with NCSTN-related conditions. Variants that disrupt the consensus splice site are a relatively common cause of aberrant splicing (PMID: 17576681, 9536098). Algorithms developed to predict the effect of sequence changes on RNA splicing suggest that this variant may create or strengthen a splice site. In summary, the available evidence is currently insufficient to determine the role of this variant in disease. Therefore, it has been classified as a Variant of Uncertain Significance.

Literature cited by the submitters: PubMed 17576681; PubMed 9536098.